The following is an entry in ClinVar:

NM_001110556.2(FLNA):c.*8G>A

Genes: FLNA (filamin A; minus strand), LOC107988032 (Xq28 proximal FLNA-EMD recombination region; plus strand). Cytogenetic location: Xq28.
Variant type: single nucleotide variant.
Coding change: c.*8G>A on transcript NM_001110556.2 (MANE Select); 8 bases downstream of the stop codon, G replaced by A.
Molecular consequence: 3 prime UTR variant.
Genome position (GRCh38, 1-based): chrX:154,348,841, C>T on the plus strand (G>A on the coding strand, the complement: FLNA is on the minus strand). VCF-style: chrX-154348841-C-T. GRCh37 (hg19) VCF-style: chrX-153577209-C-T.
Other names: p.?; c.*8G>A (NM_001456.4, NM_001456.3).
Identifiers: ClinVar variation 3896163 (VCV003896163.4).

ClinVar aggregate classification (germline): Conflicting classifications of pathogenicity. Review status: criteria provided, conflicting classifications (1 of 4 stars). 3 submissions from 3 submitters: Uncertain significance (1); Likely benign (2). Last evaluated 2025-09-17.

Submissions (3):

Mayo Clinic Laboratories, Mayo Clinic
Classification: Likely benign. Last evaluated: 2025-09-17. Review status: criteria provided, single submitter. Criteria: ACMG Guidelines, 2015. Collection method: clinical testing. Allele origin: germline. Observed: 1 variant allele.
Comment: BP4, BP7, PM2_supporting

Women's Health and Genetics/Laboratory Corporation of America, LabCorp
Classification: Uncertain significance. Last evaluated: 2025-04-21. Review status: criteria provided, single submitter. Criteria: LabCorp Variant Classification Summary - May 2015. Collection method: clinical testing. Allele origin: germline.
Comment: Variant summary: FLNA c.*8G>A is located in the untranslated mRNA region downstream of the termination codon. The variant was absent in 166568 control chromosomes. The available data on variant occurrences in the general population are insufficient to allow any conclusion about variant significance. To our knowledge, no occurrence of c.*8G>A in individuals affected with Periventricular Nodular Heterotopia 1 and no experimental evidence demonstrating its impact on protein function have been reported. No submitters have cited clinical-significance assessments for this variant to ClinVar. Based on the evidence outlined above, the variant was classified as uncertain significance.

Blueprint Genetics
Classification: Likely benign. Last evaluated: 2020-02-20. Review status: criteria provided, single submitter. Criteria: ACMG Guidelines, 2015. Collection method: clinical testing. Allele origin: germline.